The following is an entry in ClinVar:

GRCh37/hg19 17p13.1(chr17:9489128-9489263)

Gene: CFAP52 (cilia and flagella associated protein 52; plus strand). Cytogenetic location: 17p13.1.
Variant type: copy number loss.
Identifiers: ClinVar variation 625821 (VCV000625821.1).

ClinVar aggregate classification (germline): Likely pathogenic (1 of 4 stars; one submission).

Submission:

Baylor Genetics
Classification: Likely pathogenic. Last evaluated: 2018-11-01. Review status: criteria provided, single submitter. Criteria: ACMG CNV Guidelines, 2011. Collection method: clinical testing. Allele origin: germline. Inheritance: Autosomal recessive inheritance. Observed: 1 variant allele.